The following is an entry in ClinVar:

NM_003923.3(FOXH1):c.1024G>A (p.Asp342Asn)

Gene: FOXH1 (forkhead box H1; minus strand). Cytogenetic location: 8q24.3.
Variant type: single nucleotide variant.
Coding change: c.1024G>A on transcript NM_003923.3 (MANE Select); coding-DNA position 1024, G replaced by A.
Protein change: p.Asp342Asn; replaces aspartic acid 342 with asparagine.
Molecular consequence: missense variant.
Genome position (GRCh38, 1-based): chr8:144,474,312, C>T on the plus strand (G>A on the coding strand, the complement: FOXH1 is on the minus strand). VCF-style: chr8-144474312-C-T. GRCh37 (hg19) VCF-style: chr8-145699695-C-T.
Other names: short protein forms D342N.
Identifiers: ClinVar variation 409646 (VCV000409646.7), dbSNP rs536501327, ClinGen allele CA4945378.

ClinVar aggregate classification (germline): Uncertain significance. Review status: criteria provided, multiple submitters, no conflicts (2 of 4 stars). 2 submissions from 2 submitters: Uncertain significance (2). Last evaluated 2025-06-07.

Conditions:
Inborn genetic diseases. Identifiers: MedGen C0950123, MeSH D030342.
Holoprosencephaly sequence (HPE). Also called: Holoprosencephaly. Identifiers: Orphanet 2162, MedGen C0079541, MONDO:0016296, HP:0001360.

Allele frequency attached by ClinVar (database versions not stated): gnomAD exomes below 0.00001; TOPMed below 0.00001; ExAC 0.00001; gnomAD 0.00001; 1000 Genomes Project 0.00020; 1000 Genomes Project 30x 0.00031.
gnomAD v4.1: 3 of 1,611,968 alleles (0.00019%); highest among the groups gnomAD compares: Non-Finnish European, 0.00025%; no homozygotes.

Submissions (2):

Ambry Genetics
Classification: Uncertain significance for Inborn genetic diseases. Last evaluated: 2025-06-07. Review status: criteria provided, single submitter. Criteria: Ambry Variant Classification Scheme 2023. Collection method: clinical testing. Allele origin: germline.

Labcorp Genetics (formerly Invitae), Labcorp
Classification: Uncertain significance for Holoprosencephaly sequence. Last evaluated: 2018-04-09. Review status: criteria provided, single submitter. Criteria: Invitae Variant Classification Sherloc (09022015). Collection method: clinical testing. Allele origin: germline.
Comment: In summary, this variant is a rare missense change with uncertain impact on protein function. There is no indication that it causes disease, but the available evidence is currently insufficient to prove that conclusively. Therefore, it has been classified as a Variant of Uncertain Significance. Algorithms developed to predict the effect of missense changes on protein structure and function do not agree on the potential impact of this missense change (SIFT: "Deleterious"; PolyPhen-2: "Probably Damaging"; Align-GVGD: "Class C0"). This variant is present in population databases (rs536501327, ExAC 0.002%) but has not been reported in the literature in individuals with a FOXH1-related disease. This sequence change replaces aspartic acid with asparagine at codon 342 of the FOXH1 protein (p.Asp342Asn). The aspartic acid residue is moderately conserved and there is a small physicochemical difference between aspartic acid and asparagine.